The following is an entry in ClinVar:

ClinVar aggregate classification (germline): Likely benign (1 of 4 stars; one submission).

gnomAD v4.1: 24 of 1,613,248 alleles (0.0015%); highest among the groups gnomAD compares: Middle Eastern, 0.033%; no homozygotes.

Submission:

CeGaT Center for Human Genetics Tuebingen
Classification: Likely benign. Last evaluated: 2025-06-01. Review status: criteria provided, single submitter. Criteria: CeGaT Center For Human Genetics Tuebingen Variant Classification Criteria Version 2. Collection method: clinical testing. Allele origin: germline. Affected: yes. Observed: 1 variant allele.
Comment: RND3: BP4, BP7

NM_005168.5(RND3):c.438A>G (p.Leu146=)

Gene: RND3 (Rho family GTPase 3; minus strand). Cytogenetic location: 2q23.3.
Variant type: single nucleotide variant.
Coding change: c.438A>G on transcript NM_005168.5 (MANE Select); coding-DNA position 438, A replaced by G.
Protein change: p.Leu146=; no amino-acid change (leucine 146 retained).
Molecular consequence: synonymous variant.
Genome position (GRCh38, 1-based): chr2:150,471,672, T>C on the plus strand (A>G on the coding strand, the complement: RND3 is on the minus strand). VCF-style: chr2-150471672-T-C. GRCh37 (hg19) VCF-style: chr2-151328186-T-C.
Other names: c.438A>G, p.Leu146= (NM_001254738.1).
Identifiers: ClinVar variation 3905503 (VCV003905503.10).
Genomic context (GRCh38, chr2:150,471,672, plus strand): 5'-GGGCAACATACATACCTGGTCATAGGACACTGGCGTCTGCCTGTGATTGGAGAGCTCTAC[T>C]AATGTACTAACATCTGTCCGCAGATCAGACTTGCAGCCGACCAAGAGCATTTTGGTATTT-3'
Protein context (NP_005159.1, residues 136-156): KSDLRTDVST[Leu146=]VELSNHRQTP